The following is an entry in ClinVar:

NM_001165963.4(SCN1A):c.4825T>G (p.Phe1609Val)

Genes: SCN1A (sodium voltage-gated channel alpha subunit 1; minus strand), LOC102724058 (uncharacterized LOC102724058; plus strand). Cytogenetic location: 2q24.3.
Variant type: single nucleotide variant.
Coding change: c.4825T>G on transcript NM_001165963.4 (MANE Select); coding-DNA position 4825, T replaced by G.
Protein change: p.Phe1609Val; replaces phenylalanine 1609 with valine.
Molecular consequence: missense variant. On other transcripts: non-coding transcript variant (1).
Genome position (GRCh38, 1-based): chr2:165,994,173, A>C on the plus strand (T>G on the coding strand, the complement: SCN1A is on the minus strand). VCF-style: chr2-165994173-A-C. GRCh37 (hg19) VCF-style: chr2-166850683-A-C.
Other names: c.4741T>G, p.Phe1581Val (NM_001165964.3, NM_001353957.2, NM_001353958.2); c.4825T>G, p.Phe1609Val (NM_001202435.3, NM_001353948.2); c.4792T>G, p.Phe1598Val (NM_001353949.2, NM_001353950.2, NM_001353951.2 and 2 more transcripts); c.4789T>G, p.Phe1597Val (NM_001353954.2, NM_001353955.2); c.4738T>G, p.Phe1580Val (NM_001353960.2); c.2383T>G, p.Phe795Val (NM_001353961.2); short protein forms F1598V, F1609V, F795V, F1580V, F1581V, F1597V.
Identifiers: ClinVar variation 3368952 (VCV003368952.1).
Genomic context (GRCh38, chr2:165,994,173, plus strand): 5'-TAACTGAATTTAAGAACTTTAAATATTTCTTACCTACAATGGAGAGAATGACAACCACAA[A>C]ATCAAAAATATTCCATCCAATGGTAAAATAATAATGGCGTAGAGAGATGAGTTTCAGTAC-3'
Protein context (NP_001159435.1, residues 1599-1619): YFTIGWNIFD[Phe1609Val]VVVILSIVGM

ClinVar aggregate classification (germline): Uncertain significance (1 of 4 stars; one submission).

Submission:

GeneDx
Classification: Uncertain significance. Last evaluated: 2024-02-08. Review status: criteria provided, single submitter. Criteria: GeneDx Variant Classification Process June 2021. Collection method: clinical testing. Allele origin: germline. Affected: yes.
Comment: Not observed at significant frequency in large population cohorts (gnomAD); In silico analysis supports that this missense variant has a deleterious effect on protein structure/function; Has not been previously published as pathogenic or benign to our knowledge; This substitution is predicted to be within the transmembrane segment S3 of the fourth homologous domain